The following is an entry in ClinVar:

NM_001349253.2(SCN11A):c.1932del (p.Phe644fs)

Gene: SCN11A (sodium voltage-gated channel alpha subunit 11; minus strand). Cytogenetic location: 3p22.2.
Variant type: Deletion.
Coding change: c.1932del on transcript NM_001349253.2 (MANE Select); coding-DNA position 1932, one base deleted (T; older notation c.1932delT).
Protein change: p.Phe644fs; shifts the reading frame from phenylalanine 644.
Molecular consequence: frameshift variant.
Genome position (GRCh38, 1-based): chr3:38,899,984, A deleted on the plus strand (T on the coding strand, the reverse complement: SCN11A is on the minus strand); the first of 5 consecutive A bases (chr3:38,899,984-38,899,988); deleting any one gives the same sequence. VCF-style (leftmost placement, unchanged base first): chr3-38899983-CA-C. GRCh37 (hg19) VCF-style: chr3-38941474-CA-C.
Other names: c.1932del, p.Phe644fs (NM_014139.3); short protein forms F644fs.
Identifiers: ClinVar variation 2079117 (VCV002079117.4), dbSNP rs755029512, ClinGen allele CA2580069794.

ClinVar aggregate classification (germline): Uncertain significance (1 of 4 stars; one submission).

Conditions:
Hereditary sensory and autonomic neuropathy type 7. Also called: Neuropathy, hereditary sensory and autonomic, type VII; HSAN VII. Identifiers: Orphanet 391397, MedGen C3809882, MONDO:0014244, OMIM 615548.
Familial episodic pain syndrome with predominantly lower limb involvement. Also called: Episodic pain syndrome, familial, 3. Identifiers: Orphanet 391384, Orphanet 391392, MedGen C3809899, MONDO:0014247, OMIM 615552.

Submission:

Labcorp Genetics (formerly Invitae), Labcorp
Classification: Uncertain significance for Familial episodic pain syndrome with predominantly lower limb involvement; Hereditary sensory and autonomic neuropathy type 7. Last evaluated: 2025-06-14. Review status: criteria provided, single submitter. Criteria: Invitae Variant Classification Sherloc (09022015). Collection method: clinical testing. Allele origin: germline.
Comment: This sequence change creates a premature translational stop signal (p.Phe644Leufs*8) in the SCN11A gene. It is expected to result in an absent or disrupted protein product. However, the current clinical and genetic evidence is not sufficient to establish whether loss-of-function variants in SCN11A cause disease. This variant is not present in population databases (gnomAD no frequency). This variant has not been reported in the literature in individuals affected with SCN11A-related conditions. ClinVar contains an entry for this variant (Variation ID: 2079117). Algorithms developed to predict the effect of sequence changes on RNA splicing suggest that this variant may disrupt the consensus splice site. In summary, the available evidence is currently insufficient to determine the role of this variant in disease. Therefore, it has been classified as a Variant of Uncertain Significance.